The following is an entry in ClinVar:

NM_000368.5(TSC1):c.265A>G (p.Ile89Val)

Gene: TSC1 (TSC complex subunit 1; minus strand). Cytogenetic location: 9q34.13.
Variant type: single nucleotide variant.
Coding change: c.265A>G on transcript NM_000368.5 (MANE Select); coding-DNA position 265, A replaced by G.
Protein change: p.Ile89Val; replaces isoleucine 89 with valine.
Molecular consequence: missense variant. On other transcripts: 5 prime UTR variant (1), intron variant (1).
Genome position (GRCh38, 1-based): chr9:132,925,685, T>C on the plus strand (A>G on the coding strand, the complement: TSC1 is on the minus strand). VCF-style: chr9-132925685-T-C. GRCh37 (hg19) VCF-style: chr9-135801072-T-C.
Other names: c.265A>G, p.Ile89Val (NM_001162426.2); c.-99A>G (NM_001362177.2); c.210+1516A>G (NM_001162427.2); short protein forms I89V.
Identifiers: ClinVar variation 567516 (VCV000567516.10), dbSNP rs1564501798, ClinGen allele CA375374664.

ClinVar aggregate classification (germline): Uncertain significance. Review status: criteria provided, multiple submitters, no conflicts (2 of 4 stars). 2 submissions from 2 submitters: Uncertain significance (2). Last evaluated 2026-09-11.

Conditions:
Hereditary cancer-predisposing syndrome. Also called: Hereditary Cancer Syndrome; Tumor predisposition; Hereditary neoplastic syndrome; Neoplastic Syndromes, Hereditary. Identifiers: Orphanet 140162, MedGen C0027672, MeSH D009386, MONDO:0015356.
Tuberous sclerosis 1 (TSC1). Identifiers: Orphanet 805, MedGen C1854465, MONDO:0008612, OMIM 191100.

Allele frequency attached by ClinVar (database versions not stated): gnomAD exomes below 0.00001.
gnomAD v4.1: 1 of 1,614,222 alleles (0.000062%); highest among the groups gnomAD compares: Non-Finnish European, 0.000085%; no homozygotes.

Submissions (2):

Ambry Genetics
Classification: Uncertain significance for Hereditary cancer-predisposing syndrome. Last evaluated: 2026-09-11. Review status: criteria provided, single submitter. Criteria: Ambry Variant Classification Scheme 2023. Collection method: clinical testing. Allele origin: germline.
Comment: The p.I89V variant (also known as c.265A>G), located in coding exon 3 of the TSC1 gene, results from an A to G substitution at nucleotide position 265. The isoleucine at codon 89 is replaced by valine, an amino acid with highly similar properties. This nucleotide position is well conserved in available vertebrate species. In silico splice site analysis predicts that this alteration will not have any significant effect on splicing. RNA studies have demonstrated that this variant results in an incomplete splice defect; the clinical impact of this abnormal splicing is unknown at this time (Ambry internal data). This amino acid position is not well conserved in available vertebrate species. In addition, this alteration is predicted to be tolerated by in silico analysis. Based on the available evidence, the clinical significance of this variant remains unclear.

Labcorp Genetics (formerly Invitae), Labcorp
Classification: Uncertain significance for Tuberous sclerosis 1. Last evaluated: 2021-10-10. Review status: criteria provided, single submitter. Criteria: Invitae Variant Classification Sherloc (09022015). Collection method: clinical testing. Allele origin: germline.
Comment: This sequence change replaces isoleucine with valine at codon 89 of the TSC1 protein (p.Ile89Val). The isoleucine residue is weakly conserved and there is a small physicochemical difference between isoleucine and valine. This variant is not present in population databases (ExAC no frequency). In summary, the available evidence is currently insufficient to determine the role of this variant in disease. Therefore, it has been classified as a Variant of Uncertain Significance. This variant has not been reported in the literature in individuals affected with TSC1-related conditions. Algorithms developed to predict the effect of missense changes on protein structure and function output the following: SIFT: "Tolerated"; PolyPhen-2: "Benign"; Align-GVGD: "Class C0". The valine amino acid residue is found in multiple mammalian species, which suggests that this missense change does not adversely affect protein function.